The following is an entry in ClinVar:

ClinVar aggregate classification (germline): Conflicting classifications of pathogenicity. Review status: criteria provided, conflicting classifications (1 of 4 stars). 4 submissions from 4 submitters: Uncertain significance (3); Likely benign (1). Last evaluated 2025-10-02.

Conditions:
Cardiovascular phenotype. Identifiers: MedGen CN230736.
Hypertrophic cardiomyopathy. Also called: HYPERTROPHIC MYOCARDIOPATHY. Identifiers: Orphanet 217569, MedGen C0007194, MeSH D002312, MONDO:0005045, HP:0001639.
JPH2-related disorder. Also called: JPH2-related condition.

Allele frequency attached by ClinVar (database versions not stated): ExAC 0.00001; gnomAD exomes 0.00001; gnomAD 0.00007; TOPMed 0.00017; 1000 Genomes Project 30x 0.00031; 1000 Genomes Project 0.00040.
gnomAD v4.1: 16 of 1,592,450 alleles (0.001%); highest among the groups gnomAD compares: Admixed American, 0.02%; no homozygotes.

Submissions (4):

Labcorp Genetics (formerly Invitae), Labcorp
Classification: Uncertain significance for Hypertrophic cardiomyopathy. Last evaluated: 2025-10-02. Review status: criteria provided, single submitter. Criteria: Invitae Variant Classification Sherloc (09022015). Collection method: clinical testing. Allele origin: germline.
Comment: This sequence change replaces leucine, which is neutral and non-polar, with proline, which is neutral and non-polar, at codon 609 of the JPH2 protein (p.Leu609Pro). This variant is present in population databases (rs556546220, gnomAD 0.003%). This variant has not been reported in the literature in individuals affected with JPH2-related conditions. ClinVar contains an entry for this variant (Variation ID: 2187419). An algorithm developed to predict the effect of missense changes on protein structure and function outputs the following: PolyPhen-2: "Benign". The proline amino acid residue is found in multiple mammalian species, which suggests that this missense change does not adversely affect protein function. In summary, the available evidence is currently insufficient to determine the role of this variant in disease. Therefore, it has been classified as a Variant of Uncertain Significance.

PreventionGenetics, part of Exact Sciences
Classification: Uncertain significance for JPH2-related condition. Last evaluated: 2025-08-20. Review status: criteria provided, single submitter. Criteria: ACMG Guidelines, 2015. Collection method: clinical testing. Allele origin: germline.
Comment: The JPH2 c.1826T>C variant is predicted to result in the amino acid substitution p.Leu609Pro. To our knowledge, this variant has not been reported in the literature or in a large population database (gnomAD), indicating this variant is rare. At this time, the clinical significance of this variant is uncertain due to the absence of conclusive functional and genetic evidence.

Ambry Genetics
Classification: Likely benign for Cardiovascular phenotype. Last evaluated: 2023-08-11. Review status: criteria provided, single submitter. Criteria: Ambry Variant Classification Scheme 2023. Collection method: clinical testing. Allele origin: germline.

GeneDx
Classification: Uncertain significance. Last evaluated: 2022-12-02. Review status: criteria provided, single submitter. Criteria: GeneDx Variant Classification Process June 2021. Collection method: clinical testing. Allele origin: germline. Affected: yes.
Comment: Not observed at significant frequency in large population cohorts (gnomAD); In silico analysis supports that this missense variant does not alter protein structure/function; Has not been previously published as pathogenic or benign to our knowledge

NM_020433.5(JPH2):c.1826T>C (p.Leu609Pro)

Gene: JPH2 (junctophilin 2; minus strand). Cytogenetic location: 20q13.12.
Variant type: single nucleotide variant.
Coding change: c.1826T>C on transcript NM_020433.5 (MANE Select); coding-DNA position 1826, T replaced by C.
Protein change: p.Leu609Pro; replaces leucine 609 with proline.
Molecular consequence: missense variant.
Genome position (GRCh38, 1-based): chr20:44,115,849, A>G on the plus strand (T>C on the coding strand, the complement: JPH2 is on the minus strand). VCF-style: chr20-44115849-A-G. GRCh37 (hg19) VCF-style: chr20-42744489-A-G.
Other names: short protein forms L609P.
Identifiers: ClinVar variation 2187419 (VCV002187419.7), dbSNP rs556546220, ClinGen allele CA9868593.
Genomic context (GRCh38, chr20:44,115,849, plus strand): 5'-GGGATGATGGGCTTGGGCTCCAGCTTGGCGGGGGTCTCGCGTGCAGGCTCGGGGCCTCGG[A>G]GCGTGGGGGCCTGCAGCGGGGCGGTGGCCGGGGACGAGGGCGCGGACTCGGACCCGGAGA-3'
Protein context (NP_065166.2, residues 599-619): PATAPLQAPT[Leu609Pro]RGPEPARETP